The following is an entry in ClinVar:

ClinVar aggregate classification (germline): Pathogenic (1 of 4 stars; one submission).

Conditions:
Autosomal recessive polycystic kidney disease (ARPKD). Also called: AR polycystic kidney disease. Identifiers: Orphanet 731, Orphanet 8378, MedGen C0085548, MeSH D017044, MONDO:0009889.

Submission:

Labcorp Genetics (formerly Invitae), Labcorp
Classification: Pathogenic for Autosomal recessive polycystic kidney disease. Last evaluated: 2022-08-22. Review status: criteria provided, single submitter. Criteria: Invitae Variant Classification Sherloc (09022015). Collection method: clinical testing. Allele origin: germline.
Comment: This variant has not been reported in the literature in individuals affected with PKHD1-related conditions. This variant is not present in population databases (gnomAD no frequency). This sequence change creates a premature translational stop signal (p.Tyr2854*) in the PKHD1 gene. It is expected to result in an absent or disrupted protein product. Loss-of-function variants in PKHD1 are known to be pathogenic (PMID: 19940839). Algorithms developed to predict the effect of sequence changes on RNA splicing suggest that this variant may create or strengthen a splice site. For these reasons, this variant has been classified as Pathogenic.

Literature cited by the submitters: PubMed 19940839.

NM_138694.4(PKHD1):c.8562T>G (p.Tyr2854Ter)

Gene: PKHD1 (PKHD1 ciliary IPT domain containing fibrocystin/polyductin; minus strand). Cytogenetic location: 6p12.3.
Variant type: single nucleotide variant.
Coding change: c.8562T>G on transcript NM_138694.4 (MANE Select); coding-DNA position 8562, T replaced by G.
Protein change: p.Tyr2854Ter; replaces tyrosine 2854 with a stop codon.
Molecular consequence: nonsense.
Genome position (GRCh38, 1-based): chr6:51,772,782, A>C on the plus strand (T>G on the coding strand, the complement: PKHD1 is on the minus strand). VCF-style: chr6-51772782-A-C. GRCh37 (hg19) VCF-style: chr6-51637580-A-C.
Other names: c.8562T>G, p.Tyr2854Ter (NM_170724.3); short protein forms Y2854*.
Identifiers: ClinVar variation 2052268 (VCV002052268.4), dbSNP rs1245635020, ClinGen allele CA364435732.